The following is an entry in ClinVar:

ClinVar aggregate classification (germline): Pathogenic (1 of 4 stars; one submission).

Conditions:
CEP290-related ciliopathy. Also called: CEP290 ciliopathy. Identifiers: MedGen CN305601, MONDO:0100451.

Submission:

Myriad Genetics, Inc.
Classification: Pathogenic for CEP290-related ciliopathy. Last evaluated: 2026-01-22. Review status: criteria provided, single submitter. Criteria: Myriad Autosomal Dominant, Autosomal Recessive and X-Linked Classification Criteria (2023). Collection method: clinical testing. Allele origin: unknown.
Comment: NM_025114.3(CEP290):c.6748_6754del7(F2250Kfs*28) is expected to be pathogenic in the context of CEP290-related disorders. This variant is predicted to lead to an abnormal or absent protein product due to the creation of a premature termination codon in CEP290, a gene where loss-of-function variants are known to be pathogenic. Please note: this variant was assessed in the context of healthy population screening.

NM_025114.4(CEP290):c.6748_6754del (p.Phe2250fs)

Gene: CEP290 (centrosomal protein 290; minus strand). Cytogenetic location: 12q21.32.
Variant type: Deletion.
Coding change: c.6748_6754del on transcript NM_025114.4 (MANE Select); coding-DNA positions 6748 to 6754, 7 bases deleted (TTTGCAG; older notation c.6748_6754delTTTGCAG).
Protein change: p.Phe2250fs; shifts the reading frame from phenylalanine 2250.
Molecular consequence: frameshift variant.
Genome position (GRCh38, 1-based): chr12:88,058,912-88,058,918, CTGCAAA deleted on the plus strand (TTTGCAG on the coding strand, the reverse complement: CEP290 is on the minus strand); deleting any 7 consecutive bases within chr12:88,058,912-88,058,924 gives the same sequence; the c. name uses the placement nearest the transcript's 3' end. VCF-style (leftmost placement, unchanged base first): chr12-88058911-TCTGCAAA-T. GRCh37 (hg19) VCF-style: chr12-88452688-TCTGCAAA-T.
Other names: short protein forms F2250fs.
Identifiers: ClinVar variation 5015462 (VCV005015462.1).
Genomic context (GRCh38, chr12:88,058,911, plus strand): 5'-GTAACCACAATGGATTTCCAGCTCTTACTGTCAGCACCTTCAAGCTGTGGACCTCTGCTT[TCTGCAAA>T]CTGCAATCTCTTACCAGTCTCTTCTAGTTGAACTGTCATCTTCTCATTTAATATCTCTAA-3'